The following is an entry in ClinVar:

ClinVar aggregate classification (germline): Uncertain significance (1 of 4 stars; one submission).

Conditions:
Cystic fibrosis (CF). Also called: MUCOVISCIDOSIS. Identifiers: Orphanet 586, MedGen C0010674, MONDO:0009061, OMIM 219700. Disease mechanism: loss of function.

Allele frequency attached by ClinVar (database versions not stated): ExAC 0.00001; gnomAD exomes below 0.00001.
gnomAD v4.1: 3 of 1,613,532 alleles (0.00019%); highest among the groups gnomAD compares: South Asian, 0.0022%; no homozygotes.

Submission:

Labcorp Genetics (formerly Invitae), Labcorp
Classification: Uncertain significance for Cystic fibrosis. Last evaluated: 2018-01-13. Review status: criteria provided, single submitter. Criteria: Invitae Variant Classification Sherloc (09022015). Collection method: clinical testing. Allele origin: germline.
Comment: In summary, this variant is a rare missense change that is not predicted to affect protein function. There is no indication that it causes disease, but the available evidence is currently insufficient to prove that conclusively. Therefore, it has been classified as a Variant of Uncertain Significance. Algorithms developed to predict the effect of missense changes on protein structure and function (SIFT, PolyPhen-2, Align-GVGD) all suggest that this variant is likely to be tolerated, but these predictions have not been confirmed by published functional studies. This variant is present in population databases (rs752127256, ExAC 0.006%) but has not been reported in the literature in individuals with a CFTR-related disease. This sequence change replaces glutamine with arginine at codon 1281 of the CFTR protein (p.Gln1281Arg). The glutamine residue is weakly conserved and there is a small physicochemical difference between glutamine and arginine.

NM_000492.4(CFTR):c.3842A>G (p.Gln1281Arg)

Genes: CFTR (CF transmembrane conductance regulator; plus strand), CFTR-AS2 (CFTR antisense RNA 2; minus strand). Cytogenetic location: 7q31.2.
Variant type: single nucleotide variant.
Coding change: c.3842A>G on transcript NM_000492.4 (MANE Select); coding-DNA position 3842, A replaced by G.
Protein change: p.Gln1281Arg; replaces glutamine 1281 with arginine.
Molecular consequence: missense variant.
Genome position (GRCh38, 1-based): chr7:117,642,562, A>G. VCF-style: chr7-117642562-A-G. GRCh37 (hg19) VCF-style: chr7-117282616-A-G.
Other names: short protein forms Q1281R.
Identifiers: ClinVar variation 455776 (VCV000455776.8), dbSNP rs752127256, ClinGen allele CA4451555.